The following is an entry in ClinVar:

NM_153240.5(NPHP3):c.2981T>A (p.Val994Glu)

Genes: NPHP3 (nephrocystin 3; minus strand), NPHP3-ACAD11 (NPHP3-ACAD11 readthrough (NMD candidate); minus strand). Cytogenetic location: 3q22.1.
Variant type: single nucleotide variant.
Coding change: c.2981T>A on transcript NM_153240.5 (MANE Select); coding-DNA position 2981, T replaced by A.
Protein change: p.Val994Glu; replaces valine 994 with glutamic acid.
Molecular consequence: missense variant. On other transcripts: non-coding transcript variant (1).
Genome position (GRCh38, 1-based): chr3:132,688,794, A>T on the plus strand (T>A on the coding strand, the complement: NPHP3 is on the minus strand). VCF-style: chr3-132688794-A-T. GRCh37 (hg19) VCF-style: chr3-132407638-A-T.
Other names: short protein forms V994E.
Identifiers: ClinVar variation 963686 (VCV000963686.10), dbSNP rs564239365, ClinGen allele CA2621871.

ClinVar aggregate classification (germline): Uncertain significance (1 of 4 stars; one submission).

Conditions:
Nephronophthisis. Also called: Juvenile Nephronophthisis. Identifiers: Orphanet 655, MedGen C0687120, MONDO:0019005, HP:0000090.

Allele frequency attached by ClinVar (database versions not stated): gnomAD exomes below 0.00001; ExAC 0.00001; gnomAD 0.00001 and 0.00002; TOPMed 0.00001; 1000 Genomes Project 30x 0.00016; 1000 Genomes Project 0.00020.
gnomAD v4.1: 3 of 1,614,064 alleles (0.00019%); highest among the groups gnomAD compares: African/African-American, 0.004%; no homozygotes.

Submission:

Labcorp Genetics (formerly Invitae), Labcorp
Classification: Uncertain significance for Nephronophthisis. Last evaluated: 2024-02-23. Review status: criteria provided, single submitter. Criteria: Invitae Variant Classification Sherloc (09022015). Collection method: clinical testing. Allele origin: germline.
Comment: This sequence change replaces valine, which is neutral and non-polar, with glutamic acid, which is acidic and polar, at codon 994 of the NPHP3 protein (p.Val994Glu). This variant is present in population databases (rs564239365, gnomAD 0.007%). This variant has not been reported in the literature in individuals affected with NPHP3-related conditions. ClinVar contains an entry for this variant (Variation ID: 963686). Advanced modeling of protein sequence and biophysical properties (such as structural, functional, and spatial information, amino acid conservation, physicochemical variation, residue mobility, and thermodynamic stability) performed at Invitae indicates that this missense variant is expected to disrupt NPHP3 protein function with a positive predictive value of 80%. In summary, the available evidence is currently insufficient to determine the role of this variant in disease. Therefore, it has been classified as a Variant of Uncertain Significance.